The following is an entry in ClinVar:

NM_021971.4(GMPPB):c.453T>C (p.Ala151=)

Gene: GMPPB (GDP-mannose pyrophosphorylase B; minus strand). Cytogenetic location: 3p21.31.
Variant type: single nucleotide variant.
Coding change: c.453T>C on transcript NM_021971.4 (MANE Select); coding-DNA position 453, T replaced by C.
Protein change: p.Ala151=; no amino-acid change (alanine 151 retained).
Molecular consequence: synonymous variant.
Genome position (GRCh38, 1-based): chr3:49,722,704, A>G on the plus strand (T>C on the coding strand, the complement: GMPPB is on the minus strand). VCF-style: chr3-49722704-A-G. GRCh37 (hg19) VCF-style: chr3-49760137-A-G.
Other names: c.453T>C, p.Ala151= (NM_013334.4).
Identifiers: ClinVar variation 513220 (VCV000513220.1), dbSNP rs1473327937, ClinGen allele CA433851123.
Genomic context (GRCh38, chr3:49,722,704, plus strand): 5'-GATCTTATTGGACACAAACACCTGTGGCTTCTCCACGAACCGGTGAATGCGGCCTGTGTC[A>G]GCCTCACACACCACCACACCGTACTTGGAGGGTTCCTCCACCTTGGTCACCTGAATGCAA-3'
Protein context (NP_068806.2, residues 141-161): PSKYGVVVCE[Ala151=]DTGRIHRFVE

ClinVar aggregate classification (germline): Likely benign (1 of 4 stars; one submission).

Allele frequency attached by ClinVar (database versions not stated): gnomAD 0.00001; TOPMed 0.00001; gnomAD exomes below 0.00001.

Submission:

GeneDx
Classification: Likely benign. Last evaluated: 2017-11-09. Review status: criteria provided, single submitter. Criteria: GeneDx Variant Classification (06012015). Collection method: clinical testing. Allele origin: germline. Affected: yes.
Comment: This variant is considered likely benign or benign based on one or more of the following criteria: it is a conservative change, it occurs at a poorly conserved position in the protein, it is predicted to be benign by multiple in silico algorithms, and/or has population frequency not consistent with disease.